The following is an entry in ClinVar:

NM_005733.3(KIF20A):c.2026C>T (p.Arg676Trp)

Gene: KIF20A (kinesin family member 20A; plus strand). Cytogenetic location: 5q31.2.
Variant type: single nucleotide variant.
Coding change: c.2026C>T on transcript NM_005733.3 (MANE Select); coding-DNA position 2026, C replaced by T.
Protein change: p.Arg676Trp; replaces arginine 676 with tryptophan.
Molecular consequence: missense variant.
Genome position (GRCh38, 1-based): chr5:138,185,611, C>T. VCF-style: chr5-138185611-C-T. GRCh37 (hg19) VCF-style: chr5-137521300-C-T.
Other names: c.2026C>T (NM_005733.2); short protein forms R676W.
Identifiers: ClinVar variation 2414216 (VCV002414216.7), dbSNP rs760158461, ClinGen allele CA3426786.

ClinVar aggregate classification (germline): Uncertain significance. Review status: criteria provided, multiple submitters, no conflicts (2 of 4 stars). 2 submissions from 2 submitters: Uncertain significance (2). Last evaluated 2025-10-23.

Allele frequency attached by ClinVar (database versions not stated): TOPMed below 0.00001.
gnomAD v4.1: 18 of 1,614,162 alleles (0.0011%); highest among the groups gnomAD compares: East Asian, 0.0045%; no homozygotes.

Submissions (2):

Ambry Genetics
Classification: Uncertain significance. Last evaluated: 2025-10-23. Review status: criteria provided, single submitter. Criteria: Ambry Variant Classification Scheme 2023. Collection method: clinical testing. Allele origin: germline.

Labcorp Genetics (formerly Invitae), Labcorp
Classification: Uncertain significance. Last evaluated: 2024-04-29. Review status: criteria provided, single submitter. Criteria: Invitae Variant Classification Sherloc (09022015). Collection method: clinical testing. Allele origin: germline.
Comment: This sequence change replaces arginine, which is basic and polar, with tryptophan, which is neutral and slightly polar, at codon 676 of the KIF20A protein (p.Arg676Trp). This variant is present in population databases (rs760158461, gnomAD 0.03%). This variant has not been reported in the literature in individuals affected with KIF20A-related conditions. ClinVar contains an entry for this variant (Variation ID: 2414216). An algorithm developed to predict the effect of missense changes on protein structure and function (PolyPhen-2) suggests that this variant is likely to be disruptive. In summary, the available evidence is currently insufficient to determine the role of this variant in disease. Therefore, it has been classified as a Variant of Uncertain Significance.